The following is an entry in ClinVar:

NM_001040142.2(SCN2A):c.754A>G (p.Met252Val)

Gene: SCN2A (sodium voltage-gated channel alpha subunit 2; plus strand). Cytogenetic location: 2q24.3.
Variant type: single nucleotide variant.
Coding change: c.754A>G on transcript NM_001040142.2 (MANE Select); coding-DNA position 754, A replaced by G.
Protein change: p.Met252Val; replaces methionine 252 with valine.
Molecular consequence: missense variant.
Genome position (GRCh38, 1-based): chr2:165,310,379, A>G. VCF-style: chr2-165310379-A-G. GRCh37 (hg19) VCF-style: chr2-166166889-A-G.
Other names: c.754A>G, p.Met252Val (NM_001040143.2, NM_001371246.1, NM_001371247.1 and 1 more transcripts); short protein forms M252V.
Identifiers: ClinVar variation 29889 (VCV000029889.3), dbSNP rs387906687, ClinGen allele CA128713.
Genomic context (GRCh38, chr2:165,310,379, plus strand): 5'-GTAGGCCTGAAGACCATTGTGGGGGCCCTGATCCAGTCAGTGAAGAAGCTTTCTGATGTC[A>G]TGATCTTGACTGTGTTCTGTCTAAGCGTGTTTGCGCTAATAGGATTGCAGTTGTTCATGG-3'
Protein context (NP_001035232.1, residues 242-262): IQSVKKLSDV[Met252Val]ILTVFCLSVF

ClinVar aggregate classification (germline): Pathogenic (0 of 4 stars; one submission).

Conditions:
Seizures, benign familial infantile, 3 (BFIS3). Also called: CONVULSIONS, BENIGN FAMILIAL INFANTILE, 3; Familial neonatal seizures. Identifiers: Orphanet 140927, Orphanet 306, MedGen C1843140, MONDO:0011904, OMIM 607745.

Submissions (2):

OMIM
Classification: Pathogenic for SEIZURES, BENIGN FAMILIAL INFANTILE, 3. Last evaluated: 2010-05-01. Review status: no assertion criteria provided. Collection method: literature only. Allele origin: germline.

Channelopathy-Associated Epilepsy Research Center
No classification provided (evidence only). Condition: Complex neurodevelopmental disorder. Review status: no classification provided. Collection method: literature only. Allele origin: not applicable. Functional consequence: Overall normal function, Normal slope of activation, Normal slope of fast inactivation, Normal voltage dependence of fast inactivation, Normal fast inactivation, Normal voltage dependence of activation, Normal peak current, Normal rate of recovery from fast inactivation, Moderate increase in persistent current, Acceleration of recovery from slow inactivation, Overall gain-of-function. Not counted in ClinVar's aggregate classification.
ClinVar note: "not provided" was previously submitted as the classification for the variant. However, the classification appeared to be based only on an observation of functional data so it was converted to no classification on 2025-07-30.

Literature cited by the submitters: PubMed 20371507 (cited by OMIM and Channelopathy-Associated Epilepsy Research Center).